The following is an entry in ClinVar:

ClinVar aggregate classification (germline): Uncertain significance (1 of 4 stars; one submission).

Conditions:
Cardiovascular phenotype. Identifiers: MedGen CN230736.

Submission:

Ambry Genetics
Classification: Uncertain significance for Cardiovascular phenotype. Last evaluated: 2023-05-14. Review status: criteria provided, single submitter. Criteria: Ambry Variant Classification Scheme 2023. Collection method: clinical testing. Allele origin: germline.
Comment: The p.T205I variant (also known as c.614C>T), located in coding exon 3 of the SNTA1 gene, results from a C to T substitution at nucleotide position 614. The threonine at codon 205 is replaced by isoleucine, an amino acid with similar properties. This amino acid position is conserved. In addition, this alteration is predicted to be tolerated by in silico analysis. Since supporting evidence is limited at this time, the clinical significance of this alteration remains unclear.

NM_003098.3(SNTA1):c.614C>T (p.Thr205Ile)

Gene: SNTA1 (syntrophin alpha 1; minus strand). Cytogenetic location: 20q11.21.
Variant type: single nucleotide variant.
Coding change: c.614C>T on transcript NM_003098.3 (MANE Select); coding-DNA position 614, C replaced by T.
Protein change: p.Thr205Ile; replaces threonine 205 with isoleucine.
Molecular consequence: missense variant.
Genome position (GRCh38, 1-based): chr20:33,417,806, G>A on the plus strand (C>T on the coding strand, the complement: SNTA1 is on the minus strand). VCF-style: chr20-33417806-G-A. GRCh37 (hg19) VCF-style: chr20-32005612-G-A.
Other names: short protein forms T205I.
Identifiers: ClinVar variation 2562674 (VCV002562674.2), dbSNP rs2515509617, ClinGen allele CA408632524.
Genomic context (GRCh38, chr20:33,417,806, plus strand): 5'-CTCTTCGAGACATATGCCATCTTCAAGGACATGTGTTTGGCCTCGCTGAAGTTCCGGGGT[G>A]TGGGGCCAGGGGAGGAAGGCTGCCGCTGAAGGGGTGAGGCAGGAGGTGAGTCCCAGCCGA-3'
Protein context (NP_003089.1, residues 195-215): LQRQPSSPGP[Thr205Ile]PRNFSEAKHM